The following is an entry in ClinVar:

ClinVar aggregate classification (germline): Conflicting classifications of pathogenicity. Review status: criteria provided, conflicting classifications (1 of 4 stars). 11 submissions from 11 submitters: Uncertain significance (8); Benign (1); Likely benign (2). Last evaluated 2026-01-18.

Conditions:
Classic or attenuated familial adenomatous polyposis. Identifiers: MedGen CN372698, MONDO:0021057.
Hereditary cancer-predisposing syndrome. Also called: Neoplastic Syndromes, Hereditary; Tumor predisposition; Hereditary Cancer Syndrome; Hereditary neoplastic syndrome. Identifiers: Orphanet 140162, MedGen C0027672, MeSH D009386, MONDO:0015356.
Familial adenomatous polyposis 1 (FAP1). Also called: FAMILIAL ADENOMATOUS POLYPOSIS 1, ATTENUATED; POLYPOSIS, ADENOMATOUS INTESTINAL. Identifiers: MedGen C2713442, MONDO:0021056, OMIM 175100. Disease mechanism: loss of function.

Allele frequency attached by ClinVar (database versions not stated): gnomAD exomes 0.00001 and 0.00002; TOPMed 0.00002; ExAC 0.00003.
gnomAD v4.1: 22 of 1,614,172 alleles (0.0014%); highest among the groups gnomAD compares: South Asian, 0.0044%; no homozygotes.

Submissions (11):

Labcorp Genetics (formerly Invitae), Labcorp
Classification: Uncertain significance for Familial adenomatous polyposis 1. Last evaluated: 2026-01-18. Review status: criteria provided, single submitter. Criteria: Invitae Variant Classification Sherloc (09022015). Collection method: clinical testing. Allele origin: germline.
Comment: This sequence change replaces alanine, which is neutral and non-polar, with glycine, which is neutral and non-polar, at codon 927 of the APC protein (p.Ala927Gly). This variant is present in population databases (rs587781500, gnomAD 0.01%). This missense change has been observed in individual(s) with colorectal cancer (PMID: 30324682, 31159747). ClinVar contains an entry for this variant (Variation ID: 141108). Invitae Evidence Modeling of protein sequence and biophysical properties (such as structural, functional, and spatial information, amino acid conservation, physicochemical variation, residue mobility, and thermodynamic stability) indicates that this missense variant is not expected to disrupt APC protein function with a negative predictive value of 95%. In summary, the available evidence is currently insufficient to determine the role of this variant in disease. Therefore, it has been classified as a Variant of Uncertain Significance.

Center for Genomic Medicine, Rigshospitalet, Copenhagen University Hospital
Classification: Likely benign. Last evaluated: 2025-12-29. Review status: criteria provided, single submitter. Criteria: ACMG Guidelines, 2015. Collection method: clinical testing. Allele origin: germline.
Comment: Classification criteria: BP1, BS1

Color Diagnostics, LLC DBA Color Health
Classification: Likely benign for Hereditary cancer-predisposing syndrome. Last evaluated: 2024-10-21. Review status: criteria provided, single submitter. Criteria: ACMG Guidelines, 2015. Collection method: clinical testing. Allele origin: germline.

Baylor Genetics
Classification: Uncertain significance for Familial adenomatous polyposis 1. Last evaluated: 2024-02-28. Review status: criteria provided, single submitter. Criteria: ACMG Guidelines, 2015. Collection method: clinical testing. Allele origin: unknown.

Quest Diagnostics Nichols Institute San Juan Capistrano
Classification: Uncertain significance. Last evaluated: 2024-01-31. Review status: criteria provided, single submitter. Criteria: Quest Diagnostics criteria. Collection method: clinical testing. Allele origin: unknown.
Comment: The APC c.2780C>G (p.Ala927Gly) variant has been reported in the published literature in in individuals with colorectal cancer and in one case the individual also developed gastric and prostate cancers (PMIDs: 30324682 (2018) and 37894428 (2023)). The variant has also been reported in an individual with breast cancer from The Cancer Genome Atlas dataset (PMDI: 29684080 (2018)) and in an individual undergoing hereditary cancer panel testing (PMID: 31159747 (2019)).The frequency of this variant in the general population, 0.00002 (5/250890 chromosomes (Genome Aggregation Database)), is uninformative in the assessment of its pathogenicity. Analysis of this variant using bioinformatics tools for the prediction of the effect of amino acid changes on protein structure and function yielded predictions that this variant is benign. Based on the available information, we are unable to determine the clinical significance of this variant.

All of Us Research Program, National Institutes of Health
Classification: Uncertain significance for Classic or attenuated familial adenomatous polyposis. Last evaluated: 2024-01-11. Review status: criteria provided, single submitter. Criteria: ACMG Guidelines, 2015. Collection method: clinical testing. Allele origin: germline. Inheritance: Autosomal dominant inheritance. Observed: 7 variant alleles, 7 heterozygotes.
Comment: This missense variant replaces alanine with glycine at codon 927 of the APC protein. Computational prediction suggests that this variant may not impact protein structure and function (internally defined REVEL score threshold <= 0.5, PMID: 27666373). To our knowledge, functional studies have not been reported for this variant. This variant has been observed in individuals affected with colorectal cancer (PMID: 30324682), suspected hereditary cancer (31159747), or breast cancer (29684080). This variant has been identified in 5/250890 chromosomes in the general population by the Genome Aggregation Database (gnomAD). The available evidence is insufficient to determine the role of this variant in disease conclusively. Therefore, this variant is classified as a Variant of Uncertain Significance.

This study involves interpretation of variants in research participants for the purpose of population health screening. Participant phenotype was not available at the time of variant classification. Additional details can be found in publication PMID: 35346344, PMCID: PMC8962531

GeneDx
Classification: Uncertain significance. Last evaluated: 2022-09-28. Review status: criteria provided, single submitter. Criteria: GeneDx Variant Classification Process June 2021. Collection method: clinical testing. Allele origin: germline. Affected: yes.
Comment: Not observed at significant frequency in large population cohorts (gnomAD); In silico analysis supports that this missense variant does not alter protein structure/function; Identified in an individual with colorectal cancer and in an individual undergoing hereditary cancer panel testing (Iordache et al., 2018; Tsaousis et al., 2019); This variant is associated with the following publications: (PMID: 31159747, 30324682)

Ambry Genetics
Classification: Benign for Hereditary cancer-predisposing syndrome. Last evaluated: 2022-01-25. Review status: criteria provided, single submitter. Criteria: Ambry Variant Classification Scheme 2023. Collection method: clinical testing. Allele origin: germline.

Sema4
Classification: Uncertain significance for Hereditary cancer-predisposing syndrome. Last evaluated: 2021-09-29. Review status: criteria provided, single submitter. Criteria: Sema4 Curation Guidelines. Collection method: curation. Allele origin: germline.
Comment: The APC c.2780C>G (p.A927G) variant has been reported in heterozygosity in at least one individual with colorectal cancer (PMID: 30324682). It was observed in 1/10066 chromosomes of the Ashkenazi Jewish subpopulation in the large and broad cohorts of the Genome Aggregation Database (PMID: 32461654). This variant has been reported in ClinVar (Variation ID 141108). Functional studies have not been performed, and in silico predictions of the variant's effect on protein function are inconclusive. The evidence is insufficient to meet ACMG/AMP criteria for classifying the variant as benign or pathogenic. Thus, the clinical significance of this variant is currently uncertain.

GeneKor MSA
Classification: Uncertain significance for Hereditary cancer-predisposing syndrome. Last evaluated: 2018-08-01. Review status: criteria provided, single submitter. Criteria: ACMG Guidelines, 2015. Collection method: clinical testing. Allele origin: germline. Affected: yes.

Women's Health and Genetics/Laboratory Corporation of America, LabCorp
Classification: Uncertain significance. Last evaluated: 2018-04-16. Review status: criteria provided, single submitter. Criteria: LabCorp Variant Classification Summary - May 2015. Collection method: clinical testing. Allele origin: germline.
Comment: Variant summary: APC c.2780C>G (p.Ala927Gly) results in a non-conservative amino acid change in the encoded protein sequence. Three of four in-silico tools predict a benign effect of the variant on protein function. The variant allele was found at a frequency of 2e-05 in 245756 control chromosomes (gnomAD). This frequency is not significantly higher than expected for a pathogenic variant in APC causing Familial Adenomatous Polyposis (2e-05 vs 7.1e-05), allowing no conclusion about variant significance. To our knowledge, no occurrence of c.2780C>G in individuals affected with Familial Adenomatous Polyposis and no experimental evidence demonstrating its impact on protein function have been reported. Multiple ClinVar submissions from clinical diagnostic laboratories (evaluation after 2014) cite the variant as "uncertain significance." Based on the evidence outlined above, the variant was classified as uncertain significance.

Literature cited by the submitters: PubMed 30324682 (cited by 5 submitters); PubMed 31159747 (cited by 3 submitters); PubMed 29684080 (cited by Quest Diagnostics Nichols Institute San Juan Capistrano and Ambry Genetics); PubMed 37894428 (cited by Quest Diagnostics Nichols Institute San Juan Capistrano); PubMed 29487696 (cited by Quest Diagnostics Nichols Institute San Juan Capistrano).

NM_000038.6(APC):c.2780C>G (p.Ala927Gly)

Gene: APC (APC regulator of Wnt signaling pathway; plus strand). Cytogenetic location: 5q22.2.
Variant type: single nucleotide variant.
Coding change: c.2780C>G on transcript NM_000038.6 (MANE Select); coding-DNA position 2780, C replaced by G.
Protein change: p.Ala927Gly; replaces alanine 927 with glycine.
Molecular consequence: missense variant.
Genome position (GRCh38, 1-based): chr5:112,838,374, C>G. VCF-style: chr5-112838374-C-G. GRCh37 (hg19) VCF-style: chr5-112174071-C-G.
Other names: c.2780C>G, p.Ala927Gly (NM_001127510.3, NM_001354895.2); c.2726C>G, p.Ala909Gly (NM_001127511.3); c.2834C>G, p.Ala945Gly (NM_001354896.2); c.2810C>G, p.Ala937Gly (NM_001354897.2); c.2705C>G, p.Ala902Gly (NM_001354898.2); c.2696C>G, p.Ala899Gly (NM_001354899.2); c.2657C>G, p.Ala886Gly (NM_001354900.2); c.2603C>G, p.Ala868Gly (NM_001354901.2); and 5 more; short protein forms A909G, A927G, A868G, A886G, A902G, A644G, A826G, A767G.
Identifiers: ClinVar variation 141108 (VCV000141108.31), dbSNP rs587781500, ClinGen allele CA007779.